The following is an entry in ClinVar:

NM_001244008.2(KIF1A):c.414G>A (p.Met138Ile)

Gene: KIF1A (kinesin family member 1A; minus strand). Cytogenetic location: 2q37.3.
Variant type: single nucleotide variant.
Coding change: c.414G>A on transcript NM_001244008.2 (MANE Select); coding-DNA position 414, G replaced by A.
Protein change: p.Met138Ile; replaces methionine 138 with isoleucine.
Molecular consequence: missense variant.
Genome position (GRCh38, 1-based): chr2:240,787,266, C>T on the plus strand (G>A on the coding strand, the complement: KIF1A is on the minus strand). VCF-style: chr2-240787266-C-T. GRCh37 (hg19) VCF-style: chr2-241726683-C-T.
Other names: c.414G>A, p.Met138Ile (NM_001320705.2, NM_001330289.2, NM_001330290.2 and 21 more transcripts); short protein forms M138I.
Identifiers: ClinVar variation 2930906 (VCV002930906.3), dbSNP rs2055060313, ClinGen allele CA351309108.

ClinVar aggregate classification (germline): Uncertain significance (1 of 4 stars; one submission).

Conditions:
Neuropathy, hereditary sensory, type 2C. Also called: Hereditary sensory and autonomic neuropathy type IIC; KIF1A-Related HSAN2 (HSAN2C). Identifiers: Orphanet 970, MedGen C3280168, MONDO:0013634, OMIM 614213.
Hereditary spastic paraplegia 30. Identifiers: Orphanet 101010, MedGen C5235139, MONDO:0012476.
Intellectual disability, autosomal dominant 9 (NESCAVS). Also called: NESCAV SYNDROME; KIF1A-Related Neurodevelopmental Disorder. Identifiers: Orphanet 662367, MedGen C5393830, MONDO:0013656, OMIM 614255.

Allele frequency attached by ClinVar (database versions not stated): TOPMed below 0.00001.

Submission:

Labcorp Genetics (formerly Invitae), Labcorp
Classification: Uncertain significance for Hereditary spastic paraplegia 30; Neuropathy, hereditary sensory, type 2C; Intellectual disability, autosomal dominant 9. Last evaluated: 2024-11-13. Review status: criteria provided, single submitter. Criteria: Invitae Variant Classification Sherloc (09022015). Collection method: clinical testing. Allele origin: germline.
Comment: This sequence change replaces methionine, which is neutral and non-polar, with isoleucine, which is neutral and non-polar, at codon 138 of the KIF1A protein (p.Met138Ile). This variant is not present in population databases (gnomAD no frequency). This variant has not been reported in the literature in individuals affected with KIF1A-related conditions. ClinVar contains an entry for this variant (Variation ID: 2930906). Invitae Evidence Modeling of protein sequence and biophysical properties (such as structural, functional, and spatial information, amino acid conservation, physicochemical variation, residue mobility, and thermodynamic stability) indicates that this missense variant is expected to disrupt KIF1A protein function with a positive predictive value of 95%. In summary, the available evidence is currently insufficient to determine the role of this variant in disease. Therefore, it has been classified as a Variant of Uncertain Significance.